The following is an entry in ClinVar:

NM_004655.4(AXIN2):c.1336del (p.Val446fs)

Gene: AXIN2 (axin 2; minus strand). Cytogenetic location: 17q24.1.
Variant type: Deletion.
Coding change: c.1336del on transcript NM_004655.4 (MANE Select); coding-DNA position 1336, one base deleted (G; older notation c.1336delG).
Protein change: p.Val446fs; shifts the reading frame from valine 446.
Molecular consequence: frameshift variant.
Genome position (GRCh38, 1-based): chr17:65,537,700, C deleted on the plus strand (G on the coding strand, the reverse complement: AXIN2 is on the minus strand); the first of 3 consecutive C bases (chr17:65,537,700-65,537,702); deleting any one gives the same sequence. VCF-style (leftmost placement, unchanged base first): chr17-65537699-AC-A. GRCh37 (hg19) VCF-style: chr17-63533817-AC-A.
Other names: c.1336del, p.Val446fs (NM_001363813.1); short protein forms V446fs.
Identifiers: ClinVar variation 2701992 (VCV002701992.3), dbSNP rs2509416620, ClinGen allele CA2697555093.

ClinVar aggregate classification (germline): Pathogenic (1 of 4 stars; one submission).

Conditions:
Oligodontia-cancer predisposition syndrome. Also called: TOOTH AGENESIS-COLORECTAL CANCER SYNDROME. Identifiers: Orphanet 300576, MedGen C1837750, MONDO:0012075, OMIM 608615. Disease mechanism: loss of function.

Submission:

Labcorp Genetics (formerly Invitae), Labcorp
Classification: Pathogenic for Oligodontia-cancer predisposition syndrome. Last evaluated: 2023-12-10. Review status: criteria provided, single submitter. Criteria: Invitae Variant Classification Sherloc (09022015). Collection method: clinical testing. Allele origin: germline.
Comment: This sequence change creates a premature translational stop signal (p.Val446Serfs*12) in the AXIN2 gene. It is expected to result in an absent or disrupted protein product. Loss-of-function variants in AXIN2 are known to be pathogenic (PMID: 15042511, 21416598). This variant is not present in population databases (gnomAD no frequency). This variant has not been reported in the literature in individuals affected with AXIN2-related conditions. For these reasons, this variant has been classified as Pathogenic.

Literature cited by the submitters: PubMed 15042511; PubMed 21416598.